The following is an entry in ClinVar:

NM_005751.5(AKAP9):c.8872C>T (p.Leu2958Phe)

Gene: AKAP9 (A-kinase anchoring protein 9; plus strand). Cytogenetic location: 7q21.2.
Variant type: single nucleotide variant.
Coding change: c.8872C>T on transcript NM_005751.5 (MANE Select); coding-DNA position 8872, C replaced by T.
Protein change: p.Leu2958Phe; replaces leucine 2958 with phenylalanine.
Molecular consequence: missense variant.
Genome position (GRCh38, 1-based): chr7:92,085,534, C>T. VCF-style: chr7-92085534-C-T. GRCh37 (hg19) VCF-style: chr7-91714848-C-T.
Other names: c.3517C>T, p.Leu1173Phe (NM_001379277.1); c.8848C>T, p.Leu2950Phe (NM_147185.3); short protein forms L1173F, L2950F, L2958F.
Identifiers: ClinVar variation 2116769 (VCV002116769.5), dbSNP rs1186808279, ClinGen allele CA368142878.

ClinVar aggregate classification (germline): Uncertain significance. Review status: criteria provided, multiple submitters, no conflicts (2 of 4 stars). 2 submissions from 2 submitters: Uncertain significance (2). Last evaluated 2024-08-02.

Conditions:
Cardiovascular phenotype. Identifiers: MedGen CN230736.
Long QT syndrome (LQTS). Identifiers: MedGen C0023976, MeSH D008133, MONDO:0002442. Disease mechanism: loss of function. Inheritance: Various modes of inheritance.

Submissions (2):

Labcorp Genetics (formerly Invitae), Labcorp
Classification: Uncertain significance for Long QT syndrome. Last evaluated: 2024-08-02. Review status: criteria provided, single submitter. Criteria: Invitae Variant Classification Sherloc (09022015). Collection method: clinical testing. Allele origin: germline.
Comment: This sequence change replaces leucine, which is neutral and non-polar, with phenylalanine, which is neutral and non-polar, at codon 2958 of the AKAP9 protein (p.Leu2958Phe). This variant is present in population databases (no rsID available, gnomAD 0.003%). This variant has not been reported in the literature in individuals affected with AKAP9-related conditions. ClinVar contains an entry for this variant (Variation ID: 2116769). An algorithm developed to predict the effect of missense changes on protein structure and function (PolyPhen-2) suggests that this variant is likely to be disruptive. In summary, the available evidence is currently insufficient to determine the role of this variant in disease. Therefore, it has been classified as a Variant of Uncertain Significance.

Ambry Genetics
Classification: Uncertain significance for Cardiovascular phenotype. Last evaluated: 2023-10-01. Review status: criteria provided, single submitter. Criteria: Ambry Variant Classification Scheme 2023. Collection method: clinical testing. Allele origin: germline.
Comment: The p.L2958F variant (also known as c.8872C>T), located in coding exon 36 of the AKAP9 gene, results from a C to T substitution at nucleotide position 8872. The leucine at codon 2958 is replaced by phenylalanine, an amino acid with highly similar properties. This amino acid position is conserved. In addition, this alteration is predicted to be tolerated by in silico analysis. Since supporting evidence is limited at this time, the clinical significance of this alteration remains unclear.